The following is an entry in ClinVar:

NM_001365276.2(TNXB):c.3763C>G (p.Arg1255Gly)

Gene: TNXB (tenascin XB; minus strand). Cytogenetic location: 6p21.33.
Variant type: single nucleotide variant.
Coding change: c.3763C>G on transcript NM_001365276.2 (MANE Select); coding-DNA position 3763, C replaced by G.
Protein change: p.Arg1255Gly; replaces arginine 1255 with glycine.
Molecular consequence: missense variant.
Genome position (GRCh38, 1-based): chr6:32,081,647, G>C on the plus strand (C>G on the coding strand, the complement: TNXB is on the minus strand). VCF-style: chr6-32081647-G-C. GRCh37 (hg19) VCF-style: chr6-32049424-G-C.
Other names: c.3763C>G, p.Arg1255Gly (NM_019105.8); short protein forms R1255G.
Identifiers: ClinVar variation 1285229 (VCV001285229.11), dbSNP rs376472382, ClinGen allele CA3735107.

ClinVar aggregate classification (germline): Conflicting classifications of pathogenicity. Review status: criteria provided, conflicting classifications (1 of 4 stars). 6 submissions from 6 submitters: Uncertain significance (3); Likely benign (1). 2 of the submissions do not count toward it. Last evaluated 2026-07-10.

Conditions:
Cardiovascular phenotype. Identifiers: MedGen CN230736.

gnomAD v4.1: 178 of 1,589,382 alleles (0.011%); highest among the groups gnomAD compares: East Asian, 0.068%; no homozygotes.

Submissions (6):

GeneDx
Classification: Uncertain significance. Last evaluated: 2026-07-10. Review status: criteria provided, single submitter. Criteria: GeneDx Variant Classification Process June 2021. Collection method: clinical testing. Allele origin: germline.
Comment: Has not been previously published as pathogenic or benign to our knowledge; In silico analysis suggests that this missense variant does not alter protein structure/function

Dasa
Classification: Uncertain significance. Last evaluated: 2026-01-31. Review status: criteria provided, single submitter. Criteria: DASA Assertion Criteria. Collection method: clinical testing. Allele origin: germline.
Comment: NM_001365276.2(TNXB):c.3763C>G (p.Arg1255Gly) is a missense variant that results in the substitution of arginine with glycine. This variant is rare in population databases. Computational prediction algorithms are consistent with a benign effect. The currently available literature and clinical evidence are not sufficient to establish a definitive association between this variant and the reported condition. Therefore, this variant is classified as a variant of uncertain significance.

Ambry Genetics
Classification: Likely benign for Cardiovascular phenotype. Last evaluated: 2025-06-23. Review status: criteria provided, single submitter. Criteria: Ambry Variant Classification Scheme 2023. Collection method: clinical testing. Allele origin: germline.

Women's Health and Genetics/Laboratory Corporation of America, LabCorp
Classification: Uncertain significance. Last evaluated: 2025-04-07. Review status: criteria provided, single submitter. Criteria: LabCorp Variant Classification Summary - May 2015. Collection method: clinical testing. Allele origin: germline.
Comment: Variant summary: TNXB c.3763C>G (p.Arg1255Gly) results in a non-conservative amino acid change in the encoded protein sequence. Four of five in-silico tools predict a benign effect of the variant on protein function. The variant allele was found at a frequency of 0.00012 in 215946 control chromosomes. This frequency is not significantly higher than estimated for a pathogenic variant in TNXB causing Ehlers-Danlos syndrome due to tenascin-X deficiency (0.00012 vs 0.0011), allowing no conclusion about variant significance. To our knowledge, no occurrence of c.3763C>G in individuals affected with Ehlers-Danlos syndrome due to tenascin-X deficiency and no experimental evidence demonstrating its impact on protein function have been reported. ClinVar contains an entry for this variant (Variation ID: 1285229). Based on the evidence outlined above, the variant was classified as uncertain significance.

Clinical Genetics DNA and cytogenetics Diagnostics Lab, Erasmus MC, Erasmus Medical Center
Classification: Likely benign. Review status: no assertion criteria provided. Collection method: clinical testing. Allele origin: germline. Affected: yes. Study: VKGL Data-share Consensus. Not counted in ClinVar's aggregate classification.

Genome Diagnostics Laboratory, University Medical Center Utrecht
Classification: Likely benign. Review status: no assertion criteria provided. Collection method: clinical testing. Allele origin: germline. Affected: yes. Study: VKGL Data-share Consensus. Not counted in ClinVar's aggregate classification.